The following is an entry in ClinVar:

NM_001130438.3(SPTAN1):c.4432G>A (p.Asp1478Asn)

Gene: SPTAN1 (spectrin alpha, non-erythrocytic 1; plus strand). Cytogenetic location: 9q34.11.
Variant type: single nucleotide variant.
Coding change: c.4432G>A on transcript NM_001130438.3 (MANE Select); coding-DNA position 4432, G replaced by A.
Protein change: p.Asp1478Asn; replaces aspartic acid 1478 with asparagine.
Molecular consequence: missense variant.
Genome position (GRCh38, 1-based): chr9:128,608,217, G>A. VCF-style: chr9-128608217-G-A. GRCh37 (hg19) VCF-style: chr9-131370496-G-A.
Other names: c.4372G>A, p.Asp1458Asn (NM_001195532.2, NM_001363765.2, NM_001375314.2); c.4432G>A, p.Asp1478Asn (NM_001363759.2, NM_001375310.1, NM_001375311.2 and 2 more transcripts); c.4468G>A, p.Asp1490Asn (NM_001375312.2, NM_001375318.1); short protein forms D1458N, D1478N, D1490N.
Identifiers: ClinVar variation 1406682 (VCV001406682.9), dbSNP rs2131620796, ClinGen allele CA375067159.

ClinVar aggregate classification (germline): Uncertain significance (1 of 4 stars; one submission).

Conditions:
Early-infantile DEE. Also called: Ohtahara syndrome; Early infantile epileptic encephalopathy with suppression bursts; Early infantile epileptic encephalopathy. Identifiers: Orphanet 1934, MedGen C0393706, MONDO:0800491.

Submission:

Labcorp Genetics (formerly Invitae), Labcorp
Classification: Uncertain significance for Early-infantile DEE. Last evaluated: 2021-07-21. Review status: criteria provided, single submitter. Criteria: Invitae Variant Classification Sherloc (09022015). Collection method: clinical testing. Allele origin: germline.
Comment: In summary, the available evidence is currently insufficient to determine the role of this variant in disease. Therefore, it has been classified as a Variant of Uncertain Significance. Algorithms developed to predict the effect of missense changes on protein structure and function (SIFT, PolyPhen-2, Align-GVGD) all suggest that this variant is likely to be tolerated. This variant has not been reported in the literature in individuals affected with SPTAN1-related conditions. This variant is not present in population databases (ExAC no frequency). This sequence change replaces aspartic acid with asparagine at codon 1478 of the SPTAN1 protein (p.Asp1478Asn). The aspartic acid residue is highly conserved and there is a small physicochemical difference between aspartic acid and asparagine.